The following is an entry in ClinVar:

ClinVar aggregate classification (germline): Uncertain significance (1 of 4 stars; one submission).

Conditions:
Epidermolysis bullosa simplex 3, localized or generalized intermediate, with BP230 deficiency (EBS3). Also called: Epidermolysis bullosa simplex, autosomal recessive 2; Epidermolysis bullosa simplex due to BP230 deficiency. Identifiers: Orphanet 412181, MedGen C3809470, MONDO:0014180, OMIM 615425.
Hereditary sensory and autonomic neuropathy type 6. Also called: HSAN VI; Neuropathy, hereditary sensory and autonomic, type VI. Identifiers: Orphanet 314381, MedGen C3539003, MONDO:0013839, OMIM 614653.

Submission:

Labcorp Genetics (formerly Invitae), Labcorp
Classification: Uncertain significance for Epidermolysis bullosa simplex 3, localized or generalized intermediate, with BP230 deficiency; Hereditary sensory and autonomic neuropathy type 6. Last evaluated: 2025-09-03. Review status: criteria provided, single submitter. Criteria: Invitae Variant Classification Sherloc (09022015). Collection method: clinical testing. Allele origin: germline.
Comment: This sequence change replaces leucine, which is neutral and non-polar, with phenylalanine, which is neutral and non-polar, at codon 1389 of the DST protein (p.Leu1389Phe). This variant is not present in population databases (gnomAD no frequency). This variant has not been reported in the literature in individuals affected with DST-related conditions. An algorithm developed to predict the effect of missense changes on protein structure and function (PolyPhen-2) suggests that this variant is likely to be disruptive. In summary, the available evidence is currently insufficient to determine the role of this variant in disease. Therefore, it has been classified as a Variant of Uncertain Significance.

NM_001723.7(DST):c.4165C>T (p.Leu1389Phe)

Gene: DST (dystonin; minus strand). Cytogenetic location: 6p12.1.
Variant type: single nucleotide variant.
Coding change: c.4165C>T on transcript NM_001723.7 (MANE Plus Clinical); coding-DNA position 4165, C replaced by T.
Protein change: p.Leu1389Phe; replaces leucine 1389 with phenylalanine.
Molecular consequence: missense variant. On other transcripts: intron variant (10).
Genome position (GRCh38, 1-based): chr6:56,619,869, G>A on the plus strand (C>T on the coding strand, the complement: DST is on the minus strand). VCF-style: chr6-56619869-G-A. GRCh37 (hg19) VCF-style: chr6-56484667-G-A.
Other names: c.4830+4661C>T (NM_001144769.5); c.4929+4661C>T (NM_001374722.1, NM_001374736.1); c.4956+4661C>T (NM_001374734.1); c.4416+4661C>T (NM_001144770.2); c.4296+4661C>T (NM_001374730.1, NM_001386100.1, NM_183380.4 and 1 more transcripts); c.3318+4661C>T (NM_015548.5); short protein forms L1389F.
Identifiers: ClinVar variation 4786044 (VCV004786044.1).